The following is an entry in ClinVar:

NM_001876.4(CPT1A):c.1855del (p.Met619fs)

Gene: CPT1A (carnitine palmitoyltransferase 1A; minus strand). Cytogenetic location: 11q13.3.
Variant type: Deletion.
Coding change: c.1855del on transcript NM_001876.4 (MANE Select); coding-DNA position 1855, one base deleted (A; older notation c.1855delA).
Protein change: p.Met619fs; shifts the reading frame from methionine 619.
Molecular consequence: frameshift variant.
Genome position (GRCh38, 1-based): chr11:68,762,647, T deleted on the plus strand (A on the coding strand, the reverse complement: CPT1A is on the minus strand). VCF-style (leftmost placement, unchanged base first): chr11-68762646-AT-A. GRCh37 (hg19) VCF-style: chr11-68530114-AT-A.
Other names: c.1855del, p.Met619fs (NM_001031847.3); short protein forms M619fs.
Identifiers: ClinVar variation 1960705 (VCV001960705.5), dbSNP rs1162831950, ClinGen allele CA599986110.

ClinVar aggregate classification (germline): Pathogenic (1 of 4 stars; one submission).

Conditions:
Carnitine palmitoyl transferase 1A deficiency. Also called: CPT I DEFICIENCY; CPT DEFICIENCY, HEPATIC, TYPE I; Carnitine palmitoyltransferase 1A deficiency; CPT deficiency, hepatic, type IA; Carnitine palmitoyltransferase type I deficiency. Identifiers: Orphanet 156, MedGen C1829703, MONDO:0009705, OMIM 255120.

Allele frequency attached by ClinVar (database versions not stated): TOPMed below 0.00001; gnomAD exomes 0.00001.

Submission:

Labcorp Genetics (formerly Invitae), Labcorp
Classification: Pathogenic for Carnitine palmitoyl transferase 1A deficiency. Last evaluated: 2023-02-26. Review status: criteria provided, single submitter. Criteria: Invitae Variant Classification Sherloc (09022015). Collection method: clinical testing. Allele origin: germline.
Comment: For these reasons, this variant has been classified as Pathogenic. ClinVar contains an entry for this variant (Variation ID: 1960705). This variant has not been reported in the literature in individuals affected with CPT1A-related conditions. This variant is present in population databases (no rsID available, gnomAD 0.0009%). This sequence change creates a premature translational stop signal (p.Met619Trpfs*12) in the CPT1A gene. It is expected to result in an absent or disrupted protein product. Loss-of-function variants in CPT1A are known to be pathogenic (PMID: 16169268).

Literature cited by the submitters: PubMed 16169268.